The following is an entry in ClinVar:

ClinVar aggregate classification (germline): Pathogenic. Review status: reviewed by expert panel (3 of 4 stars). 30 submissions from 29 submitters: Pathogenic (1). 29 of the submissions do not count toward it. Last evaluated 2016-09-08.

Conditions:
Breast and/or ovarian cancer. Identifiers: MedGen CN221562.
Hereditary cancer-predisposing syndrome. Also called: Hereditary neoplastic syndrome; Tumor predisposition; Neoplastic Syndromes, Hereditary; Hereditary Cancer Syndrome. Identifiers: Orphanet 140162, MedGen C0027672, MeSH D009386, MONDO:0015356.
Breast-ovarian cancer, familial, susceptibility to, 2 (BROVCA2). Also called: BRCA2 Hereditary Breast and Ovarian Cancer. Identifiers: Orphanet 145, MedGen C2675520, MONDO:0012933, OMIM 612555. Disease mechanism: loss of function.
Familial cancer of breast. Also called: Hereditary breast cancer; hereditary breast carcinoma; BREAST CANCER, FAMILIAL. Identifiers: Orphanet 227535, MedGen C0346153, MONDO:0016419, OMIM 114480. Disease mechanism: loss of function.
Hereditary breast ovarian cancer syndrome. Also called: BRCA1- and BRCA2-Associated Hereditary Breast and Ovarian Cancer; Hereditary breast and/or ovarian cancer syndrome; Hereditary breast and ovarian cancer syndrome (HBOC); Breast and ovarian cancer; Hereditary breast and ovarian cancer syndrome; Hereditary breast and ovarian cancer. Identifiers: Orphanet 145, MedGen C0677776, MeSH D061325, MONDO:0003582. Disease mechanism: loss of function.
Malignant tumor of breast. Also called: Malignant breast neoplasm; Cancer breast. Identifiers: MedGen C0006142, MONDO:0007254. Disease mechanism: loss of function.
BRCA2-related cancer predisposition. Identifiers: MedGen CN377758, MONDO:0700269.
BRCA2-related disorder. Also called: BRCA2-related condition; BRCA2-related disorders. Identifiers: MedGen CN239275.

Submissions 1 to 5 of 30:

Evidence-based Network for the Interpretation of Germline Mutant Alleles (ENIGMA)
Classification: Pathogenic for Breast-ovarian cancer, familial, susceptibility to, 2. Last evaluated: 2016-09-08. Review status: reviewed by expert panel. Criteria: ENIGMA BRCA1/2 Classification Criteria (2015). Collection method: curation. Allele origin: germline.
Comment: Variant allele predicted to encode a truncated non-functional protein.

Labcorp Genetics (formerly Invitae), Labcorp
Classification: Pathogenic for Hereditary breast ovarian cancer syndrome. Last evaluated: 2026-01-13. Review status: criteria provided, single submitter. Criteria: Invitae Variant Classification Sherloc (09022015). Collection method: clinical testing. Allele origin: germline. Not counted in ClinVar's aggregate classification.
Comment: This sequence change creates a premature translational stop signal (p.Glu2846Glyfs*22) in the BRCA2 gene. It is expected to result in an absent or disrupted protein product. Loss-of-function variants in BRCA2 are known to be pathogenic (PMID: 20104584). This variant is present in population databases (rs80359714, gnomAD 0.003%). This premature translational stop signal has been observed in individual(s) with breast and/or ovarian cancer (PMID: 8673090, 21324516, 22401979). It is commonly reported in individuals of French Canadian, Yemenite Jewish, and Northern Sardinian ancestry (PMID: 9634522, 9792861, 11512557, 15382066, 17640379, 19619314, 27603373). This variant is also known as 8765delAG. For these reasons, this variant has been classified as Pathogenic.

ARUP Laboratories, Molecular Genetics and Genomics, ARUP Laboratories
Classification: Pathogenic. Last evaluated: 2025-04-21. Review status: criteria provided, single submitter. Criteria: ARUP Molecular Germline Variant Investigation Process 2024. Collection method: clinical testing. Allele origin: germline. Not counted in ClinVar's aggregate classification.
Comment: The BRCA2 c.8537_8538del; p.Glu2846GlyfsTer22 variant (rs80359714, ClinVar Variation ID: 9328), also known as 8535delAG and 8765delAG in the literature, is reported in the literature in several individuals and families affected with breast and/or ovarian cancer (Selected References: Belanger 2015, El Ghorayeb 2016, Phelan 1996, Zhang 2011). Additionally, this variant has been described as a founder variant in French Canadian, Yemenite Jewish, and Northern Sardinian populations (Ferla 2007, Lerer 1998, Manning 2001, Palomba 2007, Pisano 2000, Tonin 1998). This variant is found in non-Finnish European population with an allele frequency of 0.003% (3/113,470 alleles) in the Genome Aggregation Database (v2.1.1). This variant causes a frameshift by deleting two nucleotides, so it is predicted to result in a truncated protein or mRNA subject to nonsense-mediated decay. Based on available information, this variant is considered to be pathogenic. References: Belanger MH et al. A targeted analysis identifies a high frequency of BRCA1 and BRCA2 mutation carriers in women with ovarian cancer from a founder population. J Ovarian Res. 2015 Mar 27;8:1. PMID: 25884701. El Ghorayeb N et al. First case report of an adrenocortical carcinoma caused by a BRCA2 mutation. Medicine (Baltimore). 2016 Sep;95(36):e4756. PMID: 27603373. Ferla R et al. Founder mutations in BRCA1 and BRCA2 genes. Ann Oncol. 2007 Jun;18 Suppl 6:vi93-8. PMID: 17591843. Lerer I et al. The 8765delAG mutation in BRCA2 is common among Jews of Yemenite extraction. Am J Hum Genet. 1998 Jul;63(1):272-4. PMID: 9634522. Manning AP et al. Haplotype analysis of BRCA2 8765delAG mutation carriers in French Canadian and Yemenite Jewish hereditary breast cancer families. Hum Hered. 2001;52(2):116-20. PMID: 11512557. Palomba G et al. Origin and distribution of the BRCA2-8765delAG mutation in breast cancer. BMC Cancer. 2007 Jul 19;7:132. PMID: 17640379. Phelan CM et al. Mutation analysis of the BRCA2 gene in 49 site-specific breast cancer families. Nat Genet. 1996 May;13(1):120-2. PMID: 8673090. Pisano M et al. Identification of a founder BRCA2 mutation in Sardinia. Br J Cancer. 2000 Feb;82(3):553-9. PMID: 10682665. Tonin PN et al. Founder BRCA1 and BRCA2 mutations in French Canadian breast and ovarian cancer families. Am J Hum Genet. 1998 Nov;63(5):1341-51. PMID: 9792861. Zhang S et al. Frequencies of BRCA1 and BRCA2 mutations among 1,342 unselected patients with invasive ovarian cancer. Gynecol Oncol. 2011 May 1;121(2):353-7. PMID: 21324516.

Quest Diagnostics Nichols Institute San Juan Capistrano
Classification: Pathogenic. Last evaluated: 2025-03-12. Review status: criteria provided, single submitter. Criteria: Quest Diagnostics criteria. Collection method: clinical testing. Allele origin: unknown. Not counted in ClinVar's aggregate classification.
Comment: The BRCA2 c.8537_8538del (p.Glu2846Glyfs*22) variant alters the translational reading frame of the BRCA2 mRNA and causes the premature termination of BRCA2 protein synthesis. This variant has been reported in the published literature in individuals affected with a personal and/or family history of breast and/or ovarian cancer (PMID: 8673090 (1996), 9634522 (1998), 17640379 (2007), 21324516 (2011), 23621881 (2014), 29625052 (2018), 28918466 (2018), 29086229 (2018), 30322717 (2018), 33471991 (2021), see also LOVD) and has been described as a founder variant in French Canadian, Sardinian, and Yemenite Jewish populations (PMID: 8673090 (1996), 9634522 (1998), 28918466 (2018)). This variant has also been reported in individuals with pancreatic cancer (PMID: 29506128 (2018), 32885271 (2021)), adrenocortical carcinoma (PMID: 27603373 (2016)) and neuroblastoma (PMID: 37688579 (2024)). Based on the available information, this variant is classified as pathogenic.

Ambry Genetics
Classification: Pathogenic for Hereditary cancer-predisposing syndrome. Last evaluated: 2025-01-02. Review status: criteria provided, single submitter. Criteria: Ambry Variant Classification Scheme 2023. Collection method: clinical testing. Allele origin: germline. Not counted in ClinVar's aggregate classification.
Comment: The c.8537_8538delAG pathogenic mutation, located in coding exon 19 of the BRCA2 gene, results from a deletion of two nucleotides at nucleotide positions 8537 to 8538, causing a translational frameshift with a predicted alternate stop codon (p.E2846Gfs*22). This mutation has been reported in multiple individuals and families with hereditary breast and ovarian cancer (HBOC) syndrome (Foretova L et al. Hum. Mutat. 2004 Apr;23(4):397-8; Palomba G et al. Cancer, 2005 Sep;104:1172-9; Machackova E et al. BMC Cancer, 2008 May;8:140; Zhang S et al. Gynecol. Oncol. 2011 May;121(2):353-7; Abd-Rabbo D et al. Cancer Prev. Res. 2012 May;5(5):765-77; Belanger MH et al. J Ovarian Res, 2015 Mar;8:1; El Ghorayeb N et al. Medicine (Baltimore), 2016 Sep;95:e4756; Carter NJ et al. Gynecol Oncol, 2018 12;151:481-488; Bernstein-Molho R et al. Breast Cancer Res Treat, 2018 02;167:697-702; Felix GES et al. Fam Cancer, 2018 10;17:471-483; Lowery MA et al. J Natl Cancer Inst, 2018 10;110:1067-1074; De Talhouet S et al. Sci Rep, 2020 04;10:7073; Dorling et al. N Engl J Med. 2021 02;384:428-439), and has also been reported in a family with a history of male breast and prostate cancer (Phelan CM et al. Nat. Genet. 1996 May;13(1):120-2). This mutation has also been reported in patients with pancreatic and gastric cancers (Halpern N et al. Onco Targets Ther, 2020 Nov;13:11637-11644; Lerner-Ellis J et al. J Cancer Res Clin Oncol, 2021 Mar;147:871-879). This alteration is known to be one of the more commonly occurring BRCA2 mutations in several different regions in Europe and North America (Tonin PN et al. Am J Hum Genet, 1998 Nov;63:1341-51; Manning AP et al. Hum Hered, 2001;52:116-20; Palomba G et al. BMC Cancer, 2007 Jul;7:132; Janavicius R. EPMA J. 2010 Sep;1(3):397-412). Of note, this alteration is also designated as 8535delAG, 8765delAG, c.8764_8765delAG and c.8537_8538del2 in published literature. In addition to the clinical data presented in the literature, this alteration is expected to result in loss of function by premature protein truncation or nonsense-mediated mRNA decay. As such, this alteration is interpreted as a disease-causing mutation.

NM_000059.4(BRCA2):c.8537_8538del (p.Glu2846fs)

Gene: BRCA2 (BRCA2 DNA repair associated; plus strand). Cytogenetic location: 13q13.1.
Variant type: Microsatellite.
Coding change: c.8537_8538del on transcript NM_000059.4 (MANE Select); coding-DNA positions 8537 to 8538, 2 bases deleted (AG; older notation c.8537_8538delAG).
Protein change: p.Glu2846fs; shifts the reading frame from glutamic acid 2846.
Molecular consequence: frameshift variant.
Genome position (GRCh38, 1-based): chr13:32,371,005-32,371,006, AG deleted; deleting any 2 consecutive bases within chr13:32,371,001-32,371,006 gives the same sequence; the c. name uses the placement nearest the transcript's 3' end. VCF-style (leftmost placement, unchanged base first): chr13-32371000-AAG-A. GRCh37 (hg19) VCF-style: chr13-32945137-AAG-A.
Other names: 8761delAG; 8765delAG; c.8533_8534delAG (NM_000059.3); c.8537_8538delAG (NM_000059.3); c.8533_8534del (NM_000059.3); short protein forms E2846fs.
Identifiers: ClinVar variation 9328 (VCV000009328.55), dbSNP rs80359714, ClinGen allele CA025697.